The following is an entry in ClinVar:

NM_000089.4(COL1A2):c.1516A>C (p.Lys506Gln)

Gene: COL1A2 (collagen type I alpha 2 chain; plus strand). Cytogenetic location: 7q21.3.
Variant type: single nucleotide variant.
Coding change: c.1516A>C on transcript NM_000089.4 (MANE Select); coding-DNA position 1516, A replaced by C.
Protein change: p.Lys506Gln; replaces lysine 506 with glutamine.
Molecular consequence: missense variant.
Genome position (GRCh38, 1-based): chr7:94,413,095, A>C. VCF-style: chr7-94413095-A-C. GRCh37 (hg19) VCF-style: chr7-94042407-A-C.
Other names: short protein forms K506Q.
Identifiers: ClinVar variation 937101 (VCV000937101.12), dbSNP rs1037367793, ClinGen allele CA162925808.
Genomic context (GRCh38, chr7:94,413,095, plus strand): 5'-TTAAATGTGCAAAGCTGTTCTTTGTTTTGTTTTTCATTTTTACTCTAGGGTGATCCTGGC[A>C]AAAACGGTGATAAAGGTCATGCTGGTCTTGCTGGTGCTCGGGTAGGTGCTAACTTGTGTA-3'
Protein context (NP_000080.2, residues 496-516): GPKGPTGDPG[Lys506Gln]NGDKGHAGLA

ClinVar aggregate classification (germline): Uncertain significance. Review status: criteria provided, multiple submitters, no conflicts (2 of 4 stars). 2 submissions from 2 submitters: Uncertain significance (2). Last evaluated 2026-01-11.

Conditions:
Osteogenesis imperfecta type I (OI1). Also called: Lobstein's Disease; OI, TYPE I; OSTEOGENESIS IMPERFECTA TARDA; OSTEOGENESIS IMPERFECTA WITH BLUE SCLERAE; Osteogenesis imperfecta type 1; Lobstein disease. Identifiers: Orphanet 216796, Orphanet 666, MedGen C0023931, MONDO:0008146, OMIM 166200. Disease mechanism: loss of function.
Ehlers-Danlos syndrome, classic type, 1 (EDSCL1). Also called: Ehlers-Danlos syndrome, type 1; EHLERS-DANLOS SYNDROME, GRAVIS TYPE; EHLERS-DANLOS SYNDROME, SEVERE CLASSIC TYPE; EDS I; Ehlers-Danlos Syndrome, Classic Type, COL5A1-Related. Identifiers: MedGen C0268335, MONDO:0019567, OMIM 130000.

Allele frequency attached by ClinVar (database versions not stated): gnomAD exomes below 0.00001; TOPMed below 0.00001; gnomAD 0.00001.
gnomAD v4.1: 6 of 1,614,054 alleles (0.00037%); highest among the groups gnomAD compares: Non-Finnish European, 0.00051%; no homozygotes.

Submissions (2):

Labcorp Genetics (formerly Invitae), Labcorp
Classification: Uncertain significance for Osteogenesis imperfecta type I; Ehlers-Danlos syndrome, classic type, 1. Last evaluated: 2026-01-11. Review status: criteria provided, single submitter. Criteria: Invitae Variant Classification Sherloc (09022015). Collection method: clinical testing. Allele origin: germline.
Comment: This sequence change replaces lysine, which is basic and polar, with glutamine, which is neutral and polar, at codon 506 of the COL1A2 protein (p.Lys506Gln). This variant is present in population databases (no rsID available, gnomAD 0.007%). This missense change has been observed in individual(s) with clinical features of osteogenesis imperfecta (internal data). ClinVar contains an entry for this variant (Variation ID: 937101). Invitae Evidence Modeling of protein sequence and biophysical properties (such as structural, functional, and spatial information, amino acid conservation, physicochemical variation, residue mobility, and thermodynamic stability) has been performed for this missense variant. However, the output from this modeling did not meet the statistical confidence thresholds required to predict the impact of this variant on COL1A2 protein function. In summary, the available evidence is currently insufficient to determine the role of this variant in disease. Therefore, it has been classified as a Variant of Uncertain Significance.

GeneDx
Classification: Uncertain significance. Last evaluated: 2024-06-03. Review status: criteria provided, single submitter. Criteria: GeneDx Variant Classification Process June 2021. Collection method: clinical testing. Allele origin: germline. Affected: yes.
Comment: Not observed at significant frequency in large population cohorts (gnomAD); In silico analysis supports that this missense variant has a deleterious effect on protein structure/function; Has not been previously published as pathogenic or benign to our knowledge; Occurs in the triple helical domain at the X position in the canonical Gly-X-Y repeat; although this variant may have an effect on normal protein folding and function, missense substitution at the X position is not a common mechanism of disease (HGMD)